The following is an entry in ClinVar:

ClinVar aggregate classification (germline): Pathogenic. Review status: criteria provided, multiple submitters, no conflicts (2 of 4 stars). 2 submissions from 2 submitters: Pathogenic (2). Last evaluated 2022-11-28.

Submissions (2):

Labcorp Genetics (formerly Invitae), Labcorp
Classification: Pathogenic. Last evaluated: 2022-11-28. Review status: criteria provided, single submitter. Criteria: Invitae Variant Classification Sherloc (09022015). Collection method: clinical testing. Allele origin: germline.
Comment: For these reasons, this variant has been classified as Pathogenic. Algorithms developed to predict the effect of sequence changes on RNA splicing suggest that this variant may disrupt the consensus splice site. ClinVar contains an entry for this variant (Variation ID: 193849). Disruption of this splice site has been observed in individual(s) with clinical features of COL2A1-related conditions (Invitae). This variant is not present in population databases (gnomAD no frequency). This sequence change affects a donor splice site in intron 11 of the COL2A1 gene. It is expected to disrupt RNA splicing. Variants that disrupt the donor or acceptor splice site typically lead to a loss of protein function (PMID: 16199547), and loss-of-function variants in COL2A1 are known to be pathogenic (PMID: 20179744).

Eurofins Ntd Llc (ga)
Classification: Pathogenic. Last evaluated: 2017-04-12. Review status: criteria provided, single submitter. Criteria: EGL Classification Definitions 2015. Collection method: clinical testing. Allele origin: germline. Observed: 2 variant alleles, 2 heterozygotes.

Literature cited by the submitters: PubMed 16199547 (cited by Labcorp Genetics (formerly Invitae), Labcorp); PubMed 20179744 (cited by Labcorp Genetics (formerly Invitae), Labcorp).

NM_001844.5(COL2A1):c.762+1G>A

Gene: COL2A1 (collagen type II alpha 1 chain; minus strand). Cytogenetic location: 12q13.11.
Variant type: single nucleotide variant.
Coding change: c.762+1G>A on transcript NM_001844.5 (MANE Select); the canonical splice donor site of the intron after coding-DNA position 762, G replaced by A.
Molecular consequence: splice donor variant.
Genome position (GRCh38, 1-based): chr12:47,995,254, C>T on the plus strand (G>A on the coding strand, the complement: COL2A1 is on the minus strand). VCF-style: chr12-47995254-C-T. GRCh37 (hg19) VCF-style: chr12-48389037-C-T.
Other names: c.555+1G>A (NM_033150.3).
Identifiers: ClinVar variation 193849 (VCV000193849.15), dbSNP rs794727026, ClinGen allele CA302720.
Genomic context (GRCh38, chr12:47,995,254, plus strand): 5'-CACCCTCTCCAGGCCCTTTCAAAGGAGGCAGCTCCTCATTTGTCTACTCGTGTATACTCA[C>T]ATCATCACCAGGCTTTCCAGGGGGACCAGGAGGACCACGGGGACCCATGGGACCCTACAA-3'